The following is an entry in ClinVar:

ClinVar aggregate classification (germline): Pathogenic/Likely pathogenic. Review status: criteria provided, multiple submitters, no conflicts (2 of 4 stars). 2 submissions from 2 submitters: Pathogenic (1); Likely pathogenic (1). Last evaluated 2022-12-23.

Conditions:
HSD17B3-related disorder. Also called: HSD17B3-related condition.

Allele frequency attached by ClinVar (database versions not stated): gnomAD exomes 0.00001.
gnomAD v4.1: 5 of 1,612,934 alleles (0.00031%); highest among the groups gnomAD compares: Non-Finnish European, 0.00042%; no homozygotes.

Submissions (2):

Labcorp Genetics (formerly Invitae), Labcorp
Classification: Pathogenic. Last evaluated: 2022-12-23. Review status: criteria provided, single submitter. Criteria: Invitae Variant Classification Sherloc (09022015). Collection method: clinical testing. Allele origin: germline.
Comment: This sequence change creates a premature translational stop signal (p.Glu118*) in the HSD17B3 gene. It is expected to result in an absent or disrupted protein product. Loss-of-function variants in HSD17B3 are known to be pathogenic (PMID: 23796702, 25740850). This variant is not present in population databases (gnomAD no frequency). This variant has not been reported in the literature in individuals affected with HSD17B3-related conditions. For these reasons, this variant has been classified as Pathogenic.

Blueprint Genetics
Classification: Likely pathogenic for HSD17B3-related disorders. Last evaluated: 2022-05-25. Review status: criteria provided, single submitter. Criteria: ACMG Guidelines, 2015. Collection method: clinical testing. Allele origin: germline. Affected: yes. Observed: 5 variant alleles.

Literature cited by the submitters: PubMed 23796702 (cited by Labcorp Genetics (formerly Invitae), Labcorp); PubMed 25740850 (cited by Labcorp Genetics (formerly Invitae), Labcorp).

NM_000197.2(HSD17B3):c.352G>T (p.Glu118Ter)

Genes: HSD17B3 (hydroxysteroid 17-beta dehydrogenase 3; minus strand), SLC35D2-HSD17B3 (SLC35D2-HSD17B3 readthrough; minus strand). Cytogenetic location: 9q22.32.
Variant type: single nucleotide variant.
Coding change: c.352G>T on transcript NM_000197.2 (MANE Select); coding-DNA position 352, G replaced by T.
Protein change: p.Glu118Ter; replaces glutamic acid 118 with a stop codon.
Molecular consequence: nonsense. On other transcripts: non-coding transcript variant (1).
Genome position (GRCh38, 1-based): chr9:96,252,836, C>A on the plus strand (G>T on the coding strand, the complement: HSD17B3 is on the minus strand). VCF-style: chr9-96252836-C-A. GRCh37 (hg19) VCF-style: chr9-99015118-C-A.
Other names: short protein forms E118*.
Identifiers: ClinVar variation 2797144 (VCV002797144.5), dbSNP rs2490085916, ClinGen allele CA374125494.